The following is an entry in ClinVar:

NM_032776.3(JMJD1C):c.4990A>T (p.Ile1664Leu)

Gene: JMJD1C (jumonji domain containing 1C; minus strand). Cytogenetic location: 10q21.3.
Variant type: single nucleotide variant.
Coding change: c.4990A>T on transcript NM_032776.3 (MANE Select); coding-DNA position 4990, A replaced by T.
Protein change: p.Ile1664Leu; replaces isoleucine 1664 with leucine.
Molecular consequence: missense variant. On other transcripts: non-coding transcript variant (1).
Genome position (GRCh38, 1-based): chr10:63,206,679, T>A on the plus strand (A>T on the coding strand, the complement: JMJD1C is on the minus strand). VCF-style: chr10-63206679-T-A. GRCh37 (hg19) VCF-style: chr10-64966439-T-A.
Other names: c.4444A>T, p.Ile1482Leu (NM_001282948.2, NM_001318154.2); c.4126A>T, p.Ile1376Leu (NM_001318153.2); c.4876A>T, p.Ile1626Leu (NM_001322252.2); c.4333A>T, p.Ile1445Leu (NM_001322254.2, NM_001322258.2); short protein forms I1445L, I1482L, I1664L, I1376L, I1626L.
Identifiers: ClinVar variation 1372166 (VCV001372166.6), dbSNP rs746837241, ClinGen allele CA5518178.

ClinVar aggregate classification (germline): Uncertain significance (1 of 4 stars; one submission).

Conditions:
Early Myoclonic Encephalopathy. Identifiers: MedGen C0270855.

Allele frequency attached by ClinVar (database versions not stated): gnomAD exomes 0.00001; TOPMed 0.00001; ExAC 0.00001.
gnomAD v4.1: 4 of 1,613,704 alleles (0.00025%); highest among the groups gnomAD compares: Admixed American, 0.0067%; no homozygotes.

Submission:

Labcorp Genetics (formerly Invitae), Labcorp
Classification: Uncertain significance for Early Myoclonic Encephalopathy. Last evaluated: 2021-11-03. Review status: criteria provided, single submitter. Criteria: Invitae Variant Classification Sherloc (09022015). Collection method: clinical testing. Allele origin: germline.
Comment: This sequence change replaces isoleucine, which is neutral and non-polar, with leucine, which is neutral and non-polar, at codon 1664 of the JMJD1C protein (p.Ile1664Leu). This variant is present in population databases (rs746837241, gnomAD 0.009%). This variant has not been reported in the literature in individuals affected with JMJD1C-related conditions. Algorithms developed to predict the effect of missense changes on protein structure and function output the following: SIFT: "Tolerated"; PolyPhen-2: "Benign"; Align-GVGD: "Class C0". The leucine amino acid residue is found in multiple mammalian species, which suggests that this missense change does not adversely affect protein function. In summary, the available evidence is currently insufficient to determine the role of this variant in disease. Therefore, it has been classified as a Variant of Uncertain Significance.